The following is an entry in ClinVar:

ClinVar aggregate classification (germline): Pathogenic/Likely pathogenic. Review status: criteria provided, multiple submitters, no conflicts (2 of 4 stars). 11 submissions from 11 submitters: Pathogenic (7); Likely pathogenic (2). 2 of the submissions do not count toward it. Last evaluated 2026-01-26.

Conditions:
Autosomal dominant Alport syndrome (ATS3A). Also called: ALPORT SYNDROME 3A, AUTOSOMAL DOMINANT; Alport syndrome dominant type; Renal failure and sensorineural hearing loss. Identifiers: Orphanet 63, Orphanet 88918, MedGen C5882663, MONDO:0007086, OMIM 104200.
Alport syndrome 3b, autosomal recessive. Identifiers: MedGen C5882699, MONDO:0957811, OMIM 620536.
Hematuria, benign familial, 2 (BFH2). Identifiers: MedGen C5830421, MONDO:0958186, OMIM 620320.
Alport syndrome. Also called: Hemorrhagic familial nephritis; Hemorrhagic hereditary nephritis; Congenital hereditary hematuria. Identifiers: Orphanet 63, MedGen C1567741, MONDO:0018965.
Autosomal recessive Alport syndrome (ATS2). Also called: ALPORT SYNDROME 2, AUTOSOMAL RECESSIVE; Alport syndrome type 2; COL4A3-Related Nephropathy; COL4A4 Alport Syndrome and Thin Basement Membrane Nephropathy. Identifiers: Orphanet 63, Orphanet 88919, MedGen C4746745, MONDO:0008762, OMIM 203780.

Allele frequency attached by ClinVar (database versions not stated): gnomAD 0.00001 and 0.00003; gnomAD exomes 0.00002 and 0.00006; ExAC 0.00003; TOPMed 0.00004.
gnomAD v4.1: 36 of 1,614,168 alleles (0.0022%); highest among the groups gnomAD compares: East Asian, 0.076%; no homozygotes.

Submissions (11):

Medical and Scientific Branch, Hong Kong Genome Institute
Classification: Likely pathogenic for Autosomal dominant Alport syndrome. Last evaluated: 2026-01-26. Review status: criteria provided, single submitter. Criteria: ACMG Guidelines, 2015. Collection method: clinical testing. Allele origin: unknown. Affected: yes.

3billion
Classification: Pathogenic for Alport syndrome 3b, autosomal recessive. Last evaluated: 2026-01-07. Review status: criteria provided, single submitter. Criteria: ACMG Guidelines, 2015. Collection method: clinical testing. Allele origin: germline. Affected: yes.
Comment: The variant is observed at an extremely low frequency in the gnomAD v4.1.0 dataset (total allele frequency: 0.002%). Predicted Consequence/Location: Missense variant In silico tool predictions suggest damaging effect of the variant on gene or gene product [REVEL: 0.98 (>=0.6, sensitivity 0.68 and specificity 0.92); 3Cnet: 0.83 (> 0.75, sensitivity 0.96 and precision 0.92)]. The same nucleotide change resulting in the same amino acid change has been previously reported as pathogenic/likely pathogenic with strong evidence (ClinVar ID: VCV000550745 /PMID: 24633401 /3billion dataset). The variant has been reported to be in trans with a pathogenic variant as either compound heterozygous or homozygous in at least 2 similarly affected unrelated individuals (PMID: 24633401). Therefore, this variant is classified as Pathogenic according to the recommendation of ACMG/AMP guideline.

Natera, Inc.
Classification: Pathogenic for Alport syndrome. Last evaluated: 2025-12-24. Review status: criteria provided, single submitter. Criteria: Natera Variant Classification Schema (03/2026). Collection method: clinical testing. Allele origin: germline.
Comment: The c.4793T>G variant in COL4A3 is a missense variant predicted to cause substitution of leucine to arginine at amino acid 1598. This variant is rare in the general population with a frequency below the threshold expected for the associated phenotype(s). This variant has been observed in one or more individuals affected with the associated recessive disease, as either homozygous or compound heterozygous with a second variant (PMID: 24633401, 35369551). Additionally, this variant has been observed to segregate in affected family members (PMID: 35369551). Computational prediction algorithms indicate this variant is likely to affect gene or protein function. Given the available evidence, this variant is classified as Pathogenic.

Women's Health and Genetics/Laboratory Corporation of America, LabCorp
Classification: Pathogenic for Autosomal recessive Alport syndrome. Last evaluated: 2025-04-10. Review status: criteria provided, single submitter. Criteria: LabCorp Variant Classification Summary - May 2015. Collection method: clinical testing. Allele origin: germline.
Comment: Variant summary: COL4A3 c.4793T>G (p.Leu1598Arg) results in a non-conservative amino acid change located in the Collagen IV, non-collagenous domain (IPR001442) of the encoded protein sequence. Five of five in-silico tools predict a damaging effect of the variant on protein function. At least one publication reports experimental evidence that this variant affects mRNA splicing (Deng_2022). The variant allele was found at a frequency of 5.6e-05 in 249436 control chromosomes. This frequency is not significantly higher than estimated for a pathogenic variant in COL4A3 causing Alport Syndrome, Autosomal Recessive (5.6e-05 vs 0.0014), allowing no conclusion about variant significance. c.4793T>G has been reported in the literature in multiple individuals affected with Alport Syndrome, Autosomal Recessive (e.g., Oka_2014, Zhang_2021). These data indicate that the variant is very likely to be associated with disease. The following publications have been ascertained in the context of this evaluation (PMID: 24633401, 33772369, 35386907). ClinVar contains an entry for this variant (Variation ID: 550745). Based on the evidence outlined above, the variant was classified as pathogenic.

Labcorp Genetics (formerly Invitae), Labcorp
Classification: Pathogenic. Last evaluated: 2024-06-17. Review status: criteria provided, single submitter. Criteria: Invitae Variant Classification Sherloc (09022015). Collection method: clinical testing. Allele origin: germline.
Comment: This sequence change replaces leucine, which is neutral and non-polar, with arginine, which is basic and polar, at codon 1598 of the COL4A3 protein (p.Leu1598Arg). This variant is present in population databases (rs752452590, gnomAD 0.08%). This missense change has been observed in individual(s) with COL4A3-related conditions (PMID: 24633401). In at least one individual the data is consistent with being in trans (on the opposite chromosome) from a pathogenic variant. ClinVar contains an entry for this variant (Variation ID: 550745). Advanced modeling of protein sequence and biophysical properties (such as structural, functional, and spatial information, amino acid conservation, physicochemical variation, residue mobility, and thermodynamic stability) performed at Invitae indicates that this missense variant is expected to disrupt COL4A3 protein function with a positive predictive value of 80%. For these reasons, this variant has been classified as Pathogenic.

Fulgent Genetics
Classification: Pathogenic for Autosomal dominant Alport syndrome; Hematuria, benign familial, 2; Alport syndrome 3b, autosomal recessive. Last evaluated: 2024-03-21. Review status: criteria provided, single submitter. Criteria: ACMG Guidelines, 2015. Collection method: clinical testing. Allele origin: germline.

Department of Pathology and Laboratory Medicine, Sinai Health System
Classification: Likely pathogenic for Autosomal dominant Alport syndrome; Alport syndrome 3b, autosomal recessive. Last evaluated: 2023-02-23. Review status: criteria provided, single submitter. Criteria: ACMG Guidelines, 2015. Collection method: research. Allele origin: germline.

Victorian Clinical Genetics Services, Murdoch Childrens Research Institute
Classification: Pathogenic for Autosomal recessive Alport syndrome. Last evaluated: 2020-07-02. Review status: criteria provided, single submitter. Criteria: ACMG Guidelines, 2015. Collection method: clinical testing. Allele origin: germline. Inheritance: Autosomal recessive inheritance.
Comment: Based on the classification scheme VCGS_Germline_v1.3.3, this variant is classified as Pathogenic. Following criteria are met: 0103 - Dominant negative, caused by missense variants mostly glycine substitutions that affect the conformation of the protein, and loss of function, caused by either protein truncating and missense variants, are known mechanisms of disease in this gene and are associated with Alport syndrome and thin basement membrane nephropathy (PMID: 12028435, OMIM). (I) 0108 - This gene is associated with both recessive (Alport syndrome) and dominant disease (Alport syndrome and thin basement membrane nephropathy) (OMIM). (I) 0200 - Variant is predicted to result in a missense amino acid change from leucine to arginine. (I) 0251 - This variant is heterozygous. (I) 0304 - Variant is present in gnomAD v2 <0.01, East Asian subpopulation (15 heterozygotes, 0 homozygotes). (SP) 0501 - Missense variant consistently predicted to be damaging by multiple in silico tools or highly conserved with a major amino acid change. (SP) 0600 - Variant is located in the annotated C4 domain (NCBI, PDB). (I) 0705 - No comparable missense variants have previous evidence for pathogenicity. (I) 0801 - This variant has strong previous evidence of pathogenicity in unrelated individuals. This variant has been previously reported as pathogenic in patients with autosomal recessive Alport syndrome (ClinVar, PMID: 24633401). (SP) 0905 - No published segregation evidence has been identified for this variant. (I) 1007 - No published functional evidence has been identified for this variant. (I) 1208 - Inheritance information for this variant is not currently available in this individual. (I) Legend: (SP) - Supporting pathogenic, (I) - Information, (SB) - Supporting benign

Juno Genomics, Hangzhou Juno Genomics, Inc
Classification: Pathogenic for Autosomal dominant Alport syndrome; Alport syndrome 3b, autosomal recessive; Hematuria, benign familial, 2. Review status: criteria provided, single submitter. Criteria: ACMG Guidelines, 2015. Collection method: clinical testing. Allele origin: germline.
Comment: Absent from controls (or at extremely low frequency if recessive) in Genome Aggregation Database.;Null variant in a gene where loss of function (LOF) is a known mechanism of disease.;For recessive disorders, detected in trans with a pathogenic variant.;Patient's phenotype or family history is highly specific for a disease with a single genetic etiology.

Counsyl
Classification: Likely pathogenic for Autosomal recessive Alport syndrome. Last evaluated: 2017-02-14. Review status: no assertion criteria provided. Collection method: clinical testing. Allele origin: unknown. Not counted in ClinVar's aggregate classification.

Precision Medicine Center, Zhengzhou University
Classification: Uncertain significance for Autosomal recessive Alport syndrome. Review status: flagged submission. Criteria: ACMG Guidelines, 2015. Collection method: research. Allele origin: germline. Affected: yes. Not counted in ClinVar's aggregate classification.
Comment: PM1:Located in a mutational hot spot PM2:not found in gnomAD PP3:Multiple lines of computational evidence support a deleterious effect on the gene or gene product
ClinVar note: Reason: Outlier claim with insufficient supporting evidence

Literature cited by the submitters: PubMed 24633401 (cited by 6 submitters); PubMed 35369551 (cited by Natera, Inc.); PubMed 33772369 (cited by Women's Health and Genetics/Laboratory Corporation of America, LabCorp); PubMed 35386907 (cited by Women's Health and Genetics/Laboratory Corporation of America, LabCorp); PubMed 12028435 (cited by Victorian Clinical Genetics Services, Murdoch Childrens Research Institute).

NM_000091.5(COL4A3):c.4793T>G (p.Leu1598Arg)

Genes: MFF-DT (MFF divergent transcript; minus strand), COL4A3 (collagen type IV alpha 3 chain; plus strand). Cytogenetic location: 2q36.3.
Variant type: single nucleotide variant.
Coding change: c.4793T>G on transcript NM_000091.5 (MANE Select); coding-DNA position 4793, T replaced by G.
Protein change: p.Leu1598Arg; replaces leucine 1598 with arginine.
Molecular consequence: missense variant.
Genome position (GRCh38, 1-based): chr2:227,310,813, T>G. VCF-style: chr2-227310813-T-G. GRCh37 (hg19) VCF-style: chr2-228175529-T-G.
Other names: short protein forms L1598R.
Identifiers: ClinVar variation 550745 (VCV000550745.29), dbSNP rs752452590, ClinGen allele CA2147656.